The following is an entry in ClinVar:

ClinVar aggregate classification (germline): Uncertain significance (1 of 4 stars; one submission).

Submission:

Labcorp Genetics (formerly Invitae), Labcorp
Classification: Uncertain significance. Last evaluated: 2023-11-18. Review status: criteria provided, single submitter. Criteria: Invitae Variant Classification Sherloc (09022015). Collection method: clinical testing. Allele origin: germline.
Comment: This sequence change replaces valine, which is neutral and non-polar, with alanine, which is neutral and non-polar, at codon 14 of the FBXO11 protein (p.Val14Ala). This variant is not present in population databases (gnomAD no frequency). This variant has not been reported in the literature in individuals affected with FBXO11-related conditions. Experimental studies and prediction algorithms are not available or were not evaluated, and the functional significance of this variant is currently unknown. In summary, the available evidence is currently insufficient to determine the role of this variant in disease. Therefore, it has been classified as a Variant of Uncertain Significance.

NM_001190274.2(FBXO11):c.41T>C (p.Val14Ala)

Genes: FBXO11 (F-box protein 11; minus strand), LOC100506235 (uncharacterized LOC100506235; plus strand). Cytogenetic location: 2p16.3.
Variant type: single nucleotide variant.
Coding change: c.41T>C on transcript NM_001190274.2 (MANE Select); coding-DNA position 41, T replaced by C.
Protein change: p.Val14Ala; replaces valine 14 with alanine.
Molecular consequence: missense variant. On other transcripts: non-coding transcript variant (1).
Genome position (GRCh38, 1-based): chr2:47,905,680, A>G on the plus strand (T>C on the coding strand, the complement: FBXO11 is on the minus strand). VCF-style: chr2-47905680-A-G. GRCh37 (hg19) VCF-style: chr2-48132819-A-G.
Other names: short protein forms V14A.
Identifiers: ClinVar variation 2724315 (VCV002724315.3), dbSNP rs2528157060, ClinGen allele CA346813078.